The following is an entry in ClinVar:

NM_000179.3(MSH6):c.2051T>C (p.Leu684Pro)

Gene: MSH6 (mutS homolog 6; plus strand). Cytogenetic location: 2p16.3.
Variant type: single nucleotide variant.
Coding change: c.2051T>C on transcript NM_000179.3 (MANE Select); coding-DNA position 2051, T replaced by C.
Protein change: p.Leu684Pro; replaces leucine 684 with proline.
Molecular consequence: missense variant.
Genome position (GRCh38, 1-based): chr2:47,800,034, T>C. VCF-style: chr2-47800034-T-C. GRCh37 (hg19) VCF-style: chr2-48027173-T-C.
Other names: c.1661T>C, p.Leu554Pro (NM_001281492.2); c.1145T>C, p.Leu382Pro (NM_001281493.2, NM_001281494.2, NM_001406811.1 and 6 more transcripts); c.2147T>C, p.Leu716Pro (NM_001406795.1, NM_001406802.1); c.2051T>C, p.Leu684Pro (NM_001406796.1, NM_001406798.1, NM_001406800.1 and 3 more transcripts); c.1754T>C, p.Leu585Pro (NM_001406797.1, NM_001406801.1, NM_001406805.1 and 10 more transcripts); c.1526T>C, p.Leu509Pro (NM_001406799.1, NM_001406806.1, NM_001406807.1); c.1973T>C, p.Leu658Pro (NM_001406804.1); c.2057T>C, p.Leu686Pro (NM_001406813.1); and 1 more; short protein forms L382P, L628P, L686P, L554P, L585P, L509P, L658P, L684P.
Identifiers: ClinVar variation 1785083 (VCV001785083.3), dbSNP rs2104386080, ClinGen allele CA346750760.

ClinVar aggregate classification (germline): Uncertain significance. Review status: criteria provided, multiple submitters, no conflicts (2 of 4 stars). 2 submissions from 2 submitters: Uncertain significance (2). Last evaluated 2025-11-13.

Conditions:
Hereditary cancer-predisposing syndrome. Also called: Neoplastic Syndromes, Hereditary; Tumor predisposition; Hereditary Cancer Syndrome; Hereditary neoplastic syndrome. Identifiers: Orphanet 140162, MedGen C0027672, MeSH D009386, MONDO:0015356.
Lynch syndrome 5 (LYNCH5). Also called: Colorectal cancer, hereditary nonpolyposis, type 5; Hereditary non-polyposis colorectal cancer, type 5. Identifiers: Orphanet 144, MedGen C1833477, MONDO:0013710, OMIM 614350. Disease mechanism: loss of function.

Submissions (2):

University of Washington Department of Laboratory Medicine, University of Washington
Classification: Uncertain significance for Lynch syndrome 5. Last evaluated: 2025-11-13. Review status: criteria provided, single submitter. Criteria: Shirts BH et al. (Am J Hum Genet 2018). Collection method: clinical testing. Allele origin: de novo. Affected: yes.
Comment: We classify the MSH6 c.2051T>C (p.Leu684Pro) variant as a variant of uncertain significance based on internal evidence. Tumor testing demonstrated microsatellite instability and a second somatic MSH6 mutation was detected in the tumor, consistent with biallelic inactivation of MSH6 and supporting application of PS3_supporting. This tumor did test positive for MLH1 promoter hypermethylation. The use of tumor molecular features and somatic evidence to inform germline variant classification has been described in the literature (Shirts et al., 2018. Genet Med. PMID: 29887214). As this variant arose as a de novo event in the tumor, this observation also supports application of PS2. The p.Leu684Pro substitution occurs at a highly conserved residue. Although leucine and proline share some physicochemical similarity, the introduction of a proline at this position is predicted to disrupt local secondary structure. Multiple in silico prediction tools (SIFT, PolyPhen-2, Align-GVGD) predict a deleterious effect on protein function, supporting PP3. This variant is absent from large population databases, including gnomAD v4.0.0, meeting PM2_supporting. Taken together, the evidence of biallelic inactivation in tumor tissue, absence from population databases, conservation and predicted deleterious effect, and phenotypic correlation are not enough to classify the MSH6 c.2051T>C (p.Leu684Pro) variant.

Ambry Genetics
Classification: Uncertain significance for Hereditary cancer-predisposing syndrome. Last evaluated: 2022-08-22. Review status: criteria provided, single submitter. Criteria: Ambry Variant Classification Scheme 2023. Collection method: clinical testing. Allele origin: germline.
Comment: The p.L684P variant (also known as c.2051T>C), located in coding exon 4 of the MSH6 gene, results from a T to C substitution at nucleotide position 2051. The leucine at codon 684 is replaced by proline, an amino acid with similar properties. This amino acid position is highly conserved in available vertebrate species. In addition, this alteration is predicted to be deleterious by in silico analysis. Since supporting evidence is limited at this time, the clinical significance of this alteration remains unclear.